The following is an entry in ClinVar:

NM_018062.4(FANCL):c.308C>A (p.Ala103Glu)

Gene: FANCL (FA complementation group L; minus strand). Cytogenetic location: 2p16.1.
Variant type: single nucleotide variant.
Coding change: c.308C>A on transcript NM_018062.4 (MANE Select); coding-DNA position 308, C replaced by A.
Protein change: p.Ala103Glu; replaces alanine 103 with glutamic acid.
Molecular consequence: missense variant.
Genome position (GRCh38, 1-based): chr2:58,222,008, G>T on the plus strand (C>A on the coding strand, the complement: FANCL is on the minus strand). VCF-style: chr2-58222008-G-T. GRCh37 (hg19) VCF-style: chr2-58449143-G-T.
Other names: c.308C>A, p.Ala103Glu (NM_001114636.2, NM_001374615.1, NM_001410792.1); short protein forms A103E.
Identifiers: ClinVar variation 1433045 (VCV001433045.4), dbSNP rs746623168, ClinGen allele CA1670690.

ClinVar aggregate classification (germline): Uncertain significance. Review status: criteria provided, multiple submitters, no conflicts (2 of 4 stars). 2 submissions from 2 submitters: Uncertain significance (2). Last evaluated 2022-04-23.

Conditions:
Fanconi anemia (FA). Also called: Fanconi's anemia. Identifiers: Orphanet 84, MedGen C0015625, MeSH D005199, MONDO:0019391.
Fanconi anemia complementation group L (FANCL). Also called: FANCL-Related Fanconi Anemia. Identifiers: Orphanet 84, MedGen C3469528, MONDO:0013566, OMIM 614083.

Allele frequency attached by ClinVar (database versions not stated): gnomAD 0.00001; TOPMed 0.00003; ExAC 0.00006; gnomAD exomes 0.00006.
gnomAD v4.1: 18 of 1,613,318 alleles (0.0011%); highest among the groups gnomAD compares: Admixed American, 0.03%; no homozygotes.

Submissions (2):

Labcorp Genetics (formerly Invitae), Labcorp
Classification: Uncertain significance for Fanconi anemia. Last evaluated: 2022-04-23. Review status: criteria provided, single submitter. Criteria: Invitae Variant Classification Sherloc (09022015). Collection method: clinical testing. Allele origin: germline.
Comment: This sequence change replaces alanine, which is neutral and non-polar, with glutamic acid, which is acidic and polar, at codon 103 of the FANCL protein (p.Ala103Glu). This variant is present in population databases (rs746623168, gnomAD 0.04%). This variant has not been reported in the literature in individuals affected with FANCL-related conditions. Algorithms developed to predict the effect of missense changes on protein structure and function are either unavailable or do not agree on the potential impact of this missense change (SIFT: "Deleterious"; PolyPhen-2: "Benign"; Align-GVGD: "Class C0"). In summary, the available evidence is currently insufficient to determine the role of this variant in disease. Therefore, it has been classified as a Variant of Uncertain Significance.

Fulgent Genetics
Classification: Uncertain significance for Fanconi anemia complementation group L. Last evaluated: 2022-03-03. Review status: criteria provided, single submitter. Criteria: ACMG Guidelines, 2015. Collection method: clinical testing. Allele origin: unknown.